The following is an entry in ClinVar:

NM_005006.7(NDUFS1):c.337A>G (p.Arg113Gly)

Gene: NDUFS1 (NADH:ubiquinone oxidoreductase core subunit S1; minus strand). Cytogenetic location: 2q33.3.
Variant type: single nucleotide variant.
Coding change: c.337A>G on transcript NM_005006.7 (MANE Select); coding-DNA position 337, A replaced by G.
Protein change: p.Arg113Gly; replaces arginine 113 with glycine.
Molecular consequence: missense variant. On other transcripts: intron variant (1).
Genome position (GRCh38, 1-based): chr2:206,149,021, T>C on the plus strand (A>G on the coding strand, the complement: NDUFS1 is on the minus strand). VCF-style: chr2-206149021-T-C. GRCh37 (hg19) VCF-style: chr2-207013745-T-C.
Other names: c.229A>G, p.Arg77Gly (NM_001199981.2); c.166A>G, p.Arg56Gly (NM_001199983.2); c.379A>G, p.Arg127Gly (NM_001199984.2); c.6-1187A>G (NM_001199982.2); short protein forms R113G, R56G, R77G, R127G.
Identifiers: ClinVar variation 897943 (VCV000897943.5), dbSNP rs1692265722, ClinGen allele CA350063350.
Genomic context (GRCh38, chr2:206,149,021, plus strand): 5'-CCAAAATGTGCAATTTTCTGCTTTATGAAAGGGTACTACATTGAATAACAATAAAGTACC[T>C]GGCTTTTTTGGATTTTTCTGAGTTTGTTAGGATATTCCAACCCTTCATTACTGGCATGGC-3'
Protein context (NP_004997.4, residues 103-123): LTNSEKSKKA[Arg113Gly]EGVMEFLLAN

ClinVar aggregate classification (germline): Uncertain significance. Review status: criteria provided, multiple submitters, no conflicts (2 of 4 stars). 3 submissions from 2 submitters: Uncertain significance (3). Last evaluated 2024-07-11.

Conditions:
Mitochondrial complex I deficiency, nuclear type 1. Also called: NADH-COENZYME Q REDUCTASE DEFICIENCY; MITOCHONDRIAL NADH DEHYDROGENASE COMPONENT OF COMPLEX I, DEFICIENCY OF. Identifiers: MedGen C6022305, MONDO:0100224, OMIM 252010.
Leigh syndrome (NULS). Also called: Leigh Disease; Subacute necrotizing encephalopathy; Leigh Syndrome (mtDNA deletion); Leigh's syndrome; Leigh's necrotizing encephalopathy; Leigh's disease. Identifiers: Orphanet 506, MedGen C2931891, MONDO:0009723, OMIM 256000.
Mitochondrial complex I deficiency, nuclear type 5. Also called: Mitochondrial complex 1 deficiency, nuclear type 5. Identifiers: MedGen C4748754, MONDO:0032610, OMIM 618226.

Submissions (3):

3billion
Classification: Uncertain significance for Mitochondrial complex I deficiency, nuclear type 5. Last evaluated: 2024-07-11. Review status: criteria provided, single submitter. Criteria: ACMG Guidelines, 2015. Collection method: clinical testing. Allele origin: germline. Affected: yes.
Comment: The variant is not observed in the gnomAD v4.0.0 dataset. Predicted Consequence/Location: Missense variant In silico tool predictions suggest damaging effect of the variant on gene or gene product [REVEL: 0.91 (>=0.6, sensitivity 0.68 and specificity 0.92)]. In silico tools predict the variant to alter splicing and produce an abnormal transcript [SpliceAI: 0.74 (spliceogenicity >=0.2, non-spliceogenicity <0.1)]. Therefore, this variant is classified as VUS according to the recommendation of ACMG/AMP guideline.

Illumina Laboratory Services, Illumina
Classification: Uncertain significance for Mitochondrial complex I deficiency, nuclear type 1. Last evaluated: 2018-01-12. Review status: criteria provided, single submitter. Criteria: ICSL Variant Classification Criteria 13 December 2019. Collection method: clinical testing. Allele origin: germline.

Illumina Laboratory Services, Illumina
Classification: Uncertain significance for Leigh syndrome. Last evaluated: 2018-01-12. Review status: criteria provided, single submitter. Criteria: ICSL Variant Classification Criteria 13 December 2019. Collection method: clinical testing. Allele origin: germline.